The following is an entry in ClinVar:

NM_030973.4(MED25):c.2028_2030del (p.Ala677del)

Gene: MED25 (mediator complex subunit 25; plus strand). Cytogenetic location: 19q13.33.
Variant type: Deletion.
Coding change: c.2028_2030del on transcript NM_030973.4 (MANE Select); coding-DNA positions 2028 to 2030, 3 bases deleted (TGC; older notation c.2028_2030delTGC).
Protein change: p.Ala677del; deletes alanine 677.
Molecular consequence: inframe deletion.
Genome position (GRCh38, 1-based): chr19:49,836,288-49,836,290, TGC deleted; deleting any 3 consecutive bases within chr19:49,836,287-49,836,290 gives the same sequence; the c. name uses the placement nearest the transcript's 3' end. VCF-style (leftmost placement, unchanged base first): chr19-49836286-CCTG-C. GRCh37 (hg19) VCF-style: chr19-50339543-CCTG-C.
Other names: c.2028_2030delTGC (NM_030973.3); c.2028_2030del, p.Ala677del (NM_001378355.1); short protein forms A677del.
Identifiers: ClinVar variation 661898 (VCV000661898.6), dbSNP rs1600331974, ClinGen allele CA915951906.
Genomic context (GRCh38, chr19:49,836,286, plus strand): 5'-CCGCAGACTGGGGTGCCCCCACCCCAGGCCTCCCTCCACCACCTCCAGCCACCAGGGGCT[CCTG>C]CGCTGCTGCCTCCGCCGCACCAGGGCCTGGGGCAGCCCCAGTTGGGGCCCCCACTCCTGC-3'

ClinVar aggregate classification (germline): Uncertain significance (1 of 4 stars; one submission).

Conditions:
Charcot-Marie-Tooth disease type 2. Also called: Charcot-Marie-Tooth type 2. Identifiers: Orphanet 64746, MedGen C0270914, MONDO:0018993.

Submission:

Labcorp Genetics (formerly Invitae), Labcorp
Classification: Uncertain significance for Charcot-Marie-Tooth disease type 2. Last evaluated: 2021-08-28. Review status: criteria provided, single submitter. Criteria: Invitae Variant Classification Sherloc (09022015). Collection method: clinical testing. Allele origin: germline.
Comment: This variant, c.2028_2030del, results in the deletion of 1 amino acid(s) of the MED25 protein (p.Ala677del), but otherwise preserves the integrity of the reading frame. This variant is not present in population databases (ExAC no frequency). This variant has not been reported in the literature in individuals affected with MED25-related conditions. Experimental studies and prediction algorithms are not available or were not evaluated, and the functional significance of this variant is currently unknown. In summary, the available evidence is currently insufficient to determine the role of this variant in disease. Therefore, it has been classified as a Variant of Uncertain Significance.